The following is an entry in ClinVar:

NM_017617.5(NOTCH1):c.927C>T (p.Gly309=)

Gene: NOTCH1 (notch receptor 1; minus strand). Cytogenetic location: 9q34.3.
Variant type: single nucleotide variant.
Coding change: c.927C>T on transcript NM_017617.5 (MANE Select); coding-DNA position 927, C replaced by T.
Protein change: p.Gly309=; no amino-acid change (glycine 309 retained).
Molecular consequence: synonymous variant.
Genome position (GRCh38, 1-based): chr9:136,518,763, G>A on the plus strand (C>T on the coding strand, the complement: NOTCH1 is on the minus strand). VCF-style: chr9-136518763-G-A. GRCh37 (hg19) VCF-style: chr9-139413215-G-A.
Other names: c.927C>T, p.Gly309= (LRG_1122t1).
Identifiers: ClinVar variation 391397 (VCV000391397.12), dbSNP rs753681098, ClinGen allele CA5341978.
Genomic context (GRCh38, chr9:136,518,763, plus strand): 5'-ACCAGTCCAGCCGTTGACACACACGCAGTTGTAGCCACCGTGGGTGTTGTGGCAGGTCCC[G>A]CCGTTCTGGCAGGCATTTGGCATCAGCTGGCACTCGTCCACATCCTCGGTACAGTACTGA-3'
Protein context (NP_060087.3, residues 299-319): CQLMPNACQN[Gly309=]GTCHNTHGGY

ClinVar aggregate classification (germline): Likely benign. Review status: criteria provided, multiple submitters, no conflicts (2 of 4 stars). 4 submissions from 4 submitters: Likely benign (4). Last evaluated 2025-07-29.

Conditions:
Adams-Oliver syndrome 5 (AOS5). Identifiers: Orphanet 974, MedGen C4014970, MONDO:0014459, OMIM 616028.
Familial thoracic aortic aneurysm and aortic dissection (TAAD). Also called: Thoracic aortic aneurysms and dissections. Identifiers: Orphanet 91387, MedGen C4707243, MONDO:0019625.

Allele frequency attached by ClinVar (database versions not stated): gnomAD exomes 0.00002; gnomAD 0.00003; TOPMed 0.00003.
gnomAD v4.1: 35 of 1,612,544 alleles (0.0022%); highest among the groups gnomAD compares: Middle Eastern, 0.066%; 1 homozygote.

Submissions (4):

Labcorp Genetics (formerly Invitae), Labcorp
Classification: Likely benign for Adams-Oliver syndrome 5. Last evaluated: 2025-07-29. Review status: criteria provided, single submitter. Criteria: Invitae Variant Classification Sherloc (09022015). Collection method: clinical testing. Allele origin: germline.

Ambry Genetics
Classification: Likely benign for Familial thoracic aortic aneurysm and aortic dissection. Last evaluated: 2023-07-05. Review status: criteria provided, single submitter. Criteria: Ambry Variant Classification Scheme 2023. Collection method: clinical testing. Allele origin: germline.

Blueprint Genetics
Classification: Likely benign. Last evaluated: 2022-02-17. Review status: criteria provided, single submitter. Criteria: ACMG Guidelines, 2015. Collection method: clinical testing. Allele origin: germline.

GeneDx
Classification: Likely benign. Last evaluated: 2016-12-06. Review status: criteria provided, single submitter. Criteria: GeneDx Variant Classification (06012015). Collection method: clinical testing. Allele origin: germline. Affected: yes.
Comment: This variant is considered likely benign or benign based on one or more of the following criteria: it is a conservative change, it occurs at a poorly conserved position in the protein, it is predicted to be benign by multiple in silico algorithms, and/or has population frequency not consistent with disease.